The following is an entry in ClinVar:

NM_000077.5(CDKN2A):c.377T>A (p.Val126Asp)

Gene: CDKN2A (cyclin dependent kinase inhibitor 2A; minus strand). Cytogenetic location: 9p21.3.
Variant type: single nucleotide variant.
Coding change: c.377T>A on transcript NM_000077.5; coding-DNA position 377, T replaced by A.
Protein change: p.Val126Asp; replaces valine 126 with aspartic acid.
Molecular consequence: missense variant (on NM_000077.6). On other transcripts: 3 prime UTR variant (2).
Genome position (GRCh38, 1-based): chr9:21,970,982, A>T on the plus strand (T>A on the coding strand, the complement: CDKN2A is on the minus strand). VCF-style: chr9-21970982-A-T. GRCh37 (hg19) VCF-style: chr9-21970981-A-T.
Other names: p.V126D:GTC>GAC; c.377T>A, p.Val126Asp (NM_000077.6, NM_001195132.2); c.224T>A, p.Val75Asp (NM_001363763.2); c.*21T>A (NM_058195.4); c.*300T>A (NM_058197.5); short protein forms V126D, V75D.
Identifiers: ClinVar variation 9420 (VCV000009420.29), dbSNP rs104894098, ClinGen allele CA120398.

ClinVar aggregate classification (germline): Pathogenic. Review status: criteria provided, multiple submitters, no conflicts (2 of 4 stars). 13 submissions from 13 submitters: Pathogenic (11). 2 of the submissions do not count toward it. Last evaluated 2024-11-12.

Conditions:
Hereditary cancer-predisposing syndrome. Also called: Hereditary neoplastic syndrome; Tumor predisposition; Neoplastic Syndromes, Hereditary; Hereditary Cancer Syndrome. Identifiers: Orphanet 140162, MedGen C0027672, MeSH D009386, MONDO:0015356.
Familial melanoma. Also called: Hereditary melanoma; Hereditary cutaneous melanoma. Identifiers: Orphanet 618, MedGen C1512419, MONDO:0018961.
Melanoma-pancreatic cancer syndrome. Identifiers: Orphanet 404560, MedGen C1838547, MONDO:0011713, OMIM 606719. Disease mechanism: loss of function.
Melanoma, cutaneous malignant, susceptibility to, 2 (CMM2). Also called: CDKN2A-Related Cutaneous Malignant Melanoma; Cutaneous malignant melanoma 2. Identifiers: Orphanet 618, MedGen C1835044, MONDO:0007964, OMIM 155601.
Melanoma and neural system tumor syndrome. Also called: MELANOMA-ASTROCYTOMA SYNDROME. Identifiers: Orphanet 252206, MedGen C1835042, MONDO:0007967, OMIM 155755.

Allele frequency attached by ClinVar (database versions not stated): gnomAD exomes below 0.00001; TOPMed below 0.00001.
gnomAD v4.1: 3 of 1,610,814 alleles (0.00019%); highest among the groups gnomAD compares: Non-Finnish European, 0.00025%; no homozygotes.

Submissions 1 to 9 of 13:

Ambry Genetics
Classification: Pathogenic for Hereditary cancer-predisposing syndrome. Last evaluated: 2024-11-12. Review status: criteria provided, single submitter. Criteria: Ambry Variant Classification Scheme 2023. Collection method: clinical testing. Allele origin: germline.
Comment: The p.V126D pathogenic mutation (also known as c.377T>A), located in coding exon 2 of the CDKN2A gene, results from a T to A substitution at nucleotide position 377. The valine at codon 126 is replaced by aspartic acid, an amino acid with highly dissimilar properties. Data supports p.V126D as a North American founder mutation (Goldstein AM et al. Br. J. Cancer, 2001 Aug;85:527-30). It is well documented in families with hereditary melanoma (Hussussian CJ et al. Nat. Genet. 1994 Sep;8(1):15-21; Parry D and Peters G. Mol. Cell. Biol. 1996 Jul;16(7):3844-52; Walker GJ et al. Int. J. Cancer. 1999 Jul;82:305; Becker TM et al. Clin. Cancer. Res. 2001 Oct;7:3282; Miller PJ et al. Hum. Mutat. 2011 Aug;32(8):900-11) and has also been identified in a familial pancreatic cancer kindred with no melanoma history (Cremin C et al. Hered Cancer Clin Pract, 2018 Mar;16:7). Functional studies have shown this alteration exhibits significantly decreased CDK4/CDK6 affinity and impaired cell cycle regulation (Ranade K et al. Nat. Genet. 1995 May;10(1):114-6; McKenzie HA et al. Hum. Mut. 2010 Jun;31(6):692-701; Jenkins NC et al. J. Invest. Dermatol. 2013 Apr;133(4):1043-51). Of note, this alteration is also designated as p.Val118Asp (p.V118D) in published literature. Based on the supporting evidence, this alteration is interpreted as a disease-causing mutation.

Institute of Human Genetics, University of Leipzig Medical Center
Classification: Pathogenic for Melanoma-pancreatic cancer syndrome. Last evaluated: 2024-03-20. Review status: criteria provided, single submitter. Criteria: ACMG Guidelines, 2015. Collection method: clinical testing. Allele origin: unknown. Affected: yes.
Comment: Criteria applied: PS3,PS4,PM2_SUP,PP1,PP4

Labcorp Genetics (formerly Invitae), Labcorp
Classification: Pathogenic for Familial melanoma. Last evaluated: 2024-01-28. Review status: criteria provided, single submitter. Criteria: Invitae Variant Classification Sherloc (09022015). Collection method: clinical testing. Allele origin: germline.
Comment: This sequence change replaces valine, which is neutral and non-polar, with aspartic acid, which is acidic and polar, at codon 126 of the CDKN2A (p16INK4a) protein (p.Val126Asp). This variant is not present in population databases (gnomAD no frequency). This missense change has been observed in individual(s) with melanoma and/or pancreatic cancer (PMID: 7987387, 9425228, 15146471, 16905682, 20340136, 23371019, 25356972). It has also been observed to segregate with disease in related individuals. This variant is also known as Val118Asp. ClinVar contains an entry for this variant (Variation ID: 9420). An algorithm developed to predict the effect of missense changes on protein structure and function (PolyPhen-2) suggests that this variant is likely to be disruptive. Experimental studies have shown that this missense change affects CDKN2A (p16INK4a) function (PMID: 7647780, 8668202, 10389768, 11595726, 20340136, 23190892). For these reasons, this variant has been classified as Pathogenic.

Baylor Genetics
Classification: Pathogenic for Melanoma and neural system tumor syndrome. Last evaluated: 2023-08-25. Review status: criteria provided, single submitter. Criteria: ACMG Guidelines, 2015. Collection method: clinical testing. Allele origin: unknown.

Myriad Genetics, Inc.
Classification: Pathogenic for Melanoma-pancreatic cancer syndrome. Last evaluated: 2023-04-20. Review status: criteria provided, single submitter. Criteria: Myriad Autosomal Dominant, Autosomal Recessive and X-Linked Classification Criteria (2023). Collection method: clinical testing. Allele origin: unknown.
Comment: This variant is considered pathogenic. This variant has been reported in multiple individuals with clinical features of gene-specific disease [PMID: 7987387, 7987388].

Quest Diagnostics Nichols Institute San Juan Capistrano
Classification: Pathogenic. Last evaluated: 2022-11-22. Review status: criteria provided, single submitter. Criteria: Quest Diagnostics criteria. Collection method: clinical testing. Allele origin: unknown.
Comment: It has not been reported in large, multi-ethnic general populations. In the published literature, the variant has been reported in individuals affected with melanoma and pancreatic cancer (PMIDs: 22841127 (2012), 18983535 (2008), 16905682 (2007), 15146471 (2004), 9425228 (1998)). Functional studies showed that the variant impacts protein function (PMIDs: 23190892 (2013), 20340136 (2010), 11595726 (2001), 10389768 (1999)). Additionally, the variant has been reported to segregate with melanoma in several affected families (PMID: 7987387 (1994)). Based on the available information, this variant is classified as pathogenic.

Women's Health and Genetics/Laboratory Corporation of America, LabCorp
Classification: Pathogenic for Familial melanoma. Last evaluated: 2022-10-05. Review status: criteria provided, single submitter. Criteria: LabCorp Variant Classification Summary - May 2015. Collection method: clinical testing. Allele origin: germline.
Comment: Variant summary: CDKN2A c.377T>A (p.Val126Asp), also known as p.Val118Asp, results in a non-conservative amino acid change in the encoded protein sequence. Four of five in-silico tools predict a damaging effect of the variant on protein function. The variant was absent in 244452 control chromosomes (gnomAD). c.377T>A has been reported in the literature segregating with disease in multiple individuals affected with Malignant Melanoma (e.g. Kamb_1994, Hussussian_1994). These data indicate that the variant is very likely to be associated with disease. In vitro assays revealed that the variant had reduced binding affinity and ability to inhibit cyclin D1/CDK4 activity, and complete inability to bind/inhibit cyclin D1/CDK6 activity (Ranade_1995). Additionally, transcriptomic analysis of skin fibroblasts revealed there were consistent shifts in gene expression profiles between carriers and controls (Fan_2013). Six ClinVar submitters have assessed the variant since 2014: all have classified the variant as pathogenic. Based on the evidence outlined above, the variant was classified as pathogenic.

GeneDx
Classification: Pathogenic. Last evaluated: 2022-04-19. Review status: criteria provided, single submitter. Criteria: GeneDx Variant Classification Process June 2021. Collection method: clinical testing. Allele origin: germline. Affected: yes.
Comment: Published functional studies demonstrate a damaging effect: impaired cell cycle inhibition, sub-cellular localization, and CDK4 and CDK6 binding (Parry 1996, Becker 2001, McKenzie 2010, Miller 2011, Jenkins 2013); In silico analysis supports that this missense variant has a deleterious effect on protein structure/function; Not observed at significant frequency in large population cohorts (gnomAD); Also known as Val118Asp; This variant is associated with the following publications: (PMID: 9425228, 15146471, 15304099, 23371019, 10389768, 23190892, 7566978, 11595726, 21462282, 7987388, 7666916, 11506491, 11008905, 16905682, 16893909, 12925390, 11807902, 17492760, 26694476, 20340136, 7647780, 8668202, 27473757, 28060055, 25356972, 29541281, 29215650, 30113427, 31567591, 22841127, 18983535, 26225579, 33555482, 33766116, 34573422, 16169933, 7987387)

Color Diagnostics, LLC DBA Color Health
Classification: Pathogenic for Hereditary cancer-predisposing syndrome. Last evaluated: 2022-02-14. Review status: criteria provided, single submitter. Criteria: ACMG Guidelines, 2015. Collection method: clinical testing. Allele origin: germline.
Comment: The CDKN2A locus encodes two different gene products, p16INK4a and p14ARF. This missense variant replaces valine with aspartic acid at codon 126 in the fourth ankyrin repeat of the CDKN2A (p16INK4A) protein. This variant is also known as p.Val118Asp in the literature. Computational prediction is inconclusive regarding the impact of this variant on protein structure and function (internally defined REVEL score threshold 0.5 < inconclusive < 0.7, PMID: 27666373). Functional studies have shown that this variant impairs p16INK4A binding to CDK4 and CDK6 (PMID: 7647780, 8668202, 11595726, 20340136) and disrupts subcellular localization (PMID: 10389768, 20340136), and cell cycle regulation (PMID: 8668202, 11595726, 20340136, 23190892, 35001868). This variant has been reported in over twenty individuals affected with familial melanoma (PMID: 9425228, 11506491, 20340136, 26225579, 21614589, 23371019, 25685612) and in over ten individuals affected with pancreatic cancer (PMID: 15146471, 25356972, 29541281). This variant has been shown to segregate with disease in two families affected with melanoma (PMID: 7987387). This variant has not been identified in the general population by the Genome Aggregation Database (gnomAD). Based on the available evidence, this variant is classified as Pathogenic.